The following is an entry in ClinVar:

NM_000090.4(COL3A1):c.1052G>T (p.Gly351Val)

Gene: COL3A1 (collagen type III alpha 1 chain; plus strand). Cytogenetic location: 2q32.2.
Variant type: single nucleotide variant.
Coding change: c.1052G>T on transcript NM_000090.4 (MANE Select); coding-DNA position 1052, G replaced by T.
Protein change: p.Gly351Val; replaces glycine 351 with valine.
Molecular consequence: missense variant.
Genome position (GRCh38, 1-based): chr2:188,993,362, G>T. VCF-style: chr2-188993362-G-T. GRCh37 (hg19) VCF-style: chr2-189858088-G-T.
Identifiers: ClinVar variation 101195 (VCV000101195.9), dbSNP rs587779498, ClinGen allele CA004045.

ClinVar aggregate classification (germline): Pathogenic/Likely pathogenic. Review status: criteria provided, multiple submitters, no conflicts (2 of 4 stars). 6 submissions from 4 submitters: Pathogenic (1); Likely pathogenic (4). 1 of the submissions does not count toward it. Last evaluated 2025-01-03.

Conditions:
Polymicrogyria with or without vascular-type Ehlers-Danlos syndrome. Identifiers: Orphanet 636941, MedGen C5193040, MONDO:0032688, OMIM 618343.
Ehlers-Danlos syndrome, type 4 (EDSVASC). Also called: Ehlers-Danlos syndrome vascular type; Ehlers Danlos syndrome, ecchymotic type; Ehlers Danlos syndrome, arterial type; Ehlers Danlos syndrome, Sack-Barabas type; Ehlers-Danlos Syndrome Type IV. Identifiers: Orphanet 286, MedGen C0268338, MONDO:0017314, OMIM 130050.

Submissions (6):

GeneDx
Classification: Pathogenic. Last evaluated: 2025-01-03. Review status: criteria provided, single submitter. Criteria: GeneDx Variant Classification Process June 2021. Collection method: clinical testing. Allele origin: germline. Affected: yes.
Comment: Identified in unrelated patients with vEDS in the published literature (PMID: 24922459, 34011391, 20707836); Occurs in the triple helical domain and replaces the glycine in the canonical Gly-X-Y repeat; missense substitution of a canonical glycine residue is expected to disrupt normal protein folding and function, and this is an established mechanism of disease (HGMD); Not observed at significant frequency in large population cohorts (gnomAD); In silico analysis supports that this missense variant has a deleterious effect on protein structure/function; Also known as p.G184V; This variant is associated with the following publications: (PMID: 38174045, 24922459, 34011391, 20707836)

Center for Genomics, Ann and Robert H. Lurie Children's Hospital of Chicago
Classification: Likely pathogenic for Ehlers-Danlos syndrome, type 4. Last evaluated: 2022-01-31. Review status: criteria provided, single submitter. Criteria: ACMG Guidelines, 2015. Collection method: clinical testing. Allele origin: germline.
Comment: COL3A1 NM_000090.3 exon 16 p.Gly351Val (c.1052G>T): This variant has been reported in the literature in 2 individuals with features suggestive of or consistent with vascular Ehlers-Danlos syndrome (Pepin 2014 PMID:24922459; Lumi 2021 PMID:34011391). This variant is absent from large control databases but is present in ClinVar (Variation ID:101195). Evolutionary conservation and computational prediction tools suggest that this variant impacts the protein. Of note, this variant alters a Glycine in the Gly-X-Y repeat sequence of COL3A1's triple-helical region; Glycine residues at these positions are known to be critical for proper protein structure and stability (Mizuno 2013 PMID:23645670). In summary, data on this variant is highly suspicious for disease, but requires further evidence for pathogenicity. Therefore, this variant is classified as likely pathogenic.

Centre for Mendelian Genomics, University Medical Centre Ljubljana
Classification: Likely pathogenic for Polymicrogyria with or without vascular-type Ehlers-Danlos syndrome. Last evaluated: 2016-01-01. Review status: criteria provided, single submitter. Criteria: ACMG Guidelines, 2015. Collection method: clinical testing. Allele origin: unknown. Affected: yes.
Comment: This variant was classified as: Likely pathogenic.

Centre for Mendelian Genomics, University Medical Centre Ljubljana
Classification: Likely pathogenic for Ehlers-Danlos syndrome, vascular type. Last evaluated: 2014-12-04. Review status: criteria provided, single submitter. Criteria: ACMG Guidelines, 2015. Collection method: clinical testing. Allele origin: unknown. Affected: yes.

Center for Genomics, Ann and Robert H. Lurie Children's Hospital of Chicago
Classification: Likely pathogenic for Ehlers-Danlos syndrome, type 4; Polymicrogyria with or without vascular-type Ehlers-Danlos syndrome. Review status: criteria provided, single submitter. Criteria: ACMG Guidelines, 2015. Collection method: clinical testing. Allele origin: germline.
Comment: This variant has been reported in the literature in 2 individuals with features suggestive of or consistent with vascular Ehlers-Danlos syndrome (Pepin 2014 PMID:24922459; Lumi 2021 PMID:34011391). This variant is absent from large control databases but is present in ClinVar (Variation ID:101195). Evolutionary conservation and computational prediction tools suggest that this variant impacts the protein. Of note, this variant alters a Glycine in the Gly-X-Y repeat sequence of COL3A1's triple-helical region; Glycine residues at these positions are known to be critical for proper protein structure and stability (Mizuno 2013 PMID:23645670). In summary, data on this variant is highly suspicious for disease, but requires further evidence for pathogenicity. Therefore, this variant is classified as likely pathogenic.

Collagen Diagnostic Laboratory, University of Washington
Classification: Pathogenic for Ehlers-Danlos syndrome, type 4. Review status: no assertion criteria provided. Collection method: clinical testing. Allele origin: germline. Affected: yes. Not counted in ClinVar's aggregate classification.